The following is an entry in ClinVar:

ClinVar aggregate classification (germline): Likely pathogenic (1 of 4 stars; one submission).

Submission:

Labcorp Genetics (formerly Invitae), Labcorp
Classification: Likely pathogenic. Last evaluated: 2022-10-10. Review status: criteria provided, single submitter. Criteria: Invitae Variant Classification Sherloc (09022015). Collection method: clinical testing. Allele origin: germline.
Comment: This variant has not been reported in the literature in individuals affected with FLNB-related conditions. In summary, the currently available evidence indicates that the variant is pathogenic, but additional data are needed to prove that conclusively. Therefore, this variant has been classified as Likely Pathogenic. This variant is not present in population databases (gnomAD no frequency). This variant results in the deletion of part of exon 9 (c.1346-253_1380del) of the FLNB gene. It is expected to disrupt RNA splicing. Variants that disrupt the donor or acceptor splice site typically lead to a loss of protein function (PMID: 16199547), and loss-of-function variants in FLNB are known to be pathogenic (PMID: 14991055).

Literature cited by the submitters: PubMed 16199547; PubMed 14991055.

NM_001457.4(FLNB):c.1346-253_1380del

Gene: FLNB (filamin B; plus strand). Cytogenetic location: 3p14.3.
Variant type: Deletion.
Coding change: c.1346-253_1380del on transcript NM_001457.4 (MANE Select); 253 bases into the intron before coding-DNA position 1346 through coding-DNA position 1380, 288 bases deleted.
Molecular consequence: splice acceptor variant.
Genome position (GRCh38, 1-based): chr3:58,101,950-58,102,237, 288 bases deleted. GRCh37 (hg19): chr3:58,087,677-58,087,964.
Other names: c.1346-253_1380del (NM_001164317.2, NM_001164318.2, NM_001164319.2).
Identifiers: ClinVar variation 2808156 (VCV002808156.3), dbSNP rs2471063371, ClinGen allele CA2739278964.